The following is an entry in ClinVar:

NM_024426.6(WT1):c.160A>C (p.Ser54Arg)

Genes: WT1 (WT1 transcription factor; minus strand), LOC107982234 (WT1/WT1-AS bi-directional promoter region; plus strand). Cytogenetic location: 11p13.
Variant type: single nucleotide variant.
Coding change: c.160A>C on transcript NM_024426.6 (MANE Select); coding-DNA position 160, A replaced by C.
Protein change: p.Ser54Arg; replaces serine 54 with arginine.
Molecular consequence: missense variant. On other transcripts: 5 prime UTR variant (4), non-coding transcript variant (2).
Genome position (GRCh38, 1-based): chr11:32,435,201, T>G on the plus strand (A>C on the coding strand, the complement: WT1 is on the minus strand). VCF-style: chr11-32435201-T-G. GRCh37 (hg19) VCF-style: chr11-32456747-T-G.
Other names: c.160A>C, p.Ser54Arg (NM_000378.6, NM_001407044.1, NM_001407045.1 and 6 more transcripts); c.-60A>C (NM_001429031.1, NM_001429032.1, NM_001429033.1 and 1 more transcripts); short protein forms S49R, S54R.
Identifiers: ClinVar variation 3359883 (VCV003359883.3).
Genomic context (GRCh38, chr11:32,435,201, plus strand): 5'-TTTGCTGCGGCTCAGACCCGGACGCCCCGCGGCTCCTCCGGCCCTGGAGACGTTCAGCGC[T>G]GGCCTCGGCGGCGCCTAACTTGGCCCAGATGCCGCCCGGGTCCCGGACTCCCTGCTGCTC-3'
Protein context (NP_077744.4, residues 44-64): IWAKLGAAEA[Ser54Arg]AERLQGRRSR

ClinVar aggregate classification (germline): Conflicting classifications of pathogenicity. Review status: criteria provided, conflicting classifications (1 of 4 stars). 3 submissions from 3 submitters: Uncertain significance (1); Likely benign (2). Last evaluated 2025-03-27.

Conditions:
Inborn genetic diseases. Identifiers: MedGen C0950123, MeSH D030342.
Drash syndrome (DDS). Also called: WILMS TUMOR AND PSEUDO- OR TRUE HERMAPHRODITISM; NEPHROPATHY, WILMS TUMOR, AND GENITAL ANOMALIES. Identifiers: Orphanet 220, MedGen C0950121, MONDO:0008682, OMIM 194080.
Frasier syndrome. Identifiers: Orphanet 347, MedGen C0950122, MeSH D052159, MONDO:0007635, OMIM 136680.
Wilms tumor 1 (WT1). Also called: Wilms tumor, somatic. Identifiers: Orphanet 654, MedGen CN033288, MONDO:0008679, OMIM 194070.
11p partial monosomy syndrome (WAGR). Also called: CHROMOSOME 11p13 DELETION SYNDROME; WAGR Spectrum Disorder; WAGR syndrome; WAGR Complex. Identifiers: Orphanet 893, MedGen C0206115, MONDO:0008681, OMIM 194072.

Submissions (3):

Labcorp Genetics (formerly Invitae), Labcorp
Classification: Likely benign for Wilms tumor 1; Drash syndrome; 11p partial monosomy syndrome; Frasier syndrome. Last evaluated: 2025-03-27. Review status: criteria provided, single submitter. Criteria: Invitae Variant Classification Sherloc (09022015). Collection method: clinical testing. Allele origin: germline.

Ambry Genetics
Classification: Likely benign for Inborn genetic diseases. Last evaluated: 2025-02-07. Review status: criteria provided, single submitter. Criteria: Ambry Variant Classification Scheme 2023. Collection method: clinical testing. Allele origin: germline.

GeneDx
Classification: Uncertain significance. Last evaluated: 2023-06-26. Review status: criteria provided, single submitter. Criteria: GeneDx Variant Classification Process June 2021. Collection method: clinical testing. Allele origin: germline. Affected: yes.
Comment: Not observed at significant frequency in large population cohorts (gnomAD); In silico analysis supports that this missense variant does not alter protein structure/function; Has not been previously published as pathogenic or benign to our knowledge